The following is an entry in ClinVar:

NM_002878.4(RAD51D):c.483A>G (p.Ala161=)

Genes: RAD51D (RAD51 paralog D; minus strand), RAD51L3-RFFL (RAD51L3-RFFL readthrough; minus strand). Cytogenetic location: 17q12.
Variant type: single nucleotide variant.
Coding change: c.483A>G on transcript NM_002878.4 (MANE Select); coding-DNA position 483, A replaced by G.
Protein change: p.Ala161=; no amino-acid change (alanine 161 retained).
Molecular consequence: synonymous variant. On other transcripts: non-coding transcript variant (3).
Genome position (GRCh38, 1-based): chr17:35,106,479, T>C on the plus strand (A>G on the coding strand, the complement: RAD51D is on the minus strand). VCF-style: chr17-35106479-T-C. GRCh37 (hg19) VCF-style: chr17-33433498-T-C.
Other names: c.543A>G, p.Ala181= (NM_001142571.2); c.147A>G, p.Ala49= (NM_133629.3).
Identifiers: ClinVar variation 1610582 (VCV001610582.9), dbSNP rs2142429725, ClinGen allele CA499731620.

ClinVar aggregate classification (germline): Benign/Likely benign. Review status: criteria provided, multiple submitters, no conflicts (2 of 4 stars). 2 submissions from 2 submitters: Benign (1); Likely benign (1). Last evaluated 2025-02-24.

Conditions:
Breast-ovarian cancer, familial, susceptibility to, 4. Identifiers: Orphanet 145, MedGen C3280345, MONDO:0013669, OMIM 614291.

Submissions (2):

Myriad Genetics, Inc.
Classification: Benign for Breast-ovarian cancer, familial, susceptibility to, 4. Last evaluated: 2025-02-24. Review status: criteria provided, single submitter. Criteria: Myriad Autosomal Dominant, Autosomal Recessive and X-Linked Classification Criteria (2023). Collection method: clinical testing. Allele origin: unknown.
Comment: This variant is considered benign. This variant is a silent/synonymous amino acid change and it is not expected to impact splicing.

Labcorp Genetics (formerly Invitae), Labcorp
Classification: Likely benign for Breast-ovarian cancer, familial, susceptibility to, 4. Last evaluated: 2021-12-13. Review status: criteria provided, single submitter. Criteria: Invitae Variant Classification Sherloc (09022015). Collection method: clinical testing. Allele origin: germline.